The following is an entry in ClinVar:

ClinVar aggregate classification (germline): Likely pathogenic (1 of 4 stars; one submission).

Submission:

GeneDx
Classification: Likely pathogenic. Last evaluated: 2026-01-27. Review status: criteria provided, single submitter. Criteria: GeneDx Variant Classification Process June 2021. Collection method: clinical testing. Allele origin: germline.
Comment: Not observed at significant frequency in large population cohorts (gnomAD); In silico analysis supports that this missense variant has a deleterious effect on protein structure/function; Has not been previously published as pathogenic or benign to our knowledge; This variant is associated with the following publications: (PMID: 32420371)

NM_000266.4(NDP):c.376T>A (p.Cys126Ser)

Genes: NDP (norrin cystine knot growth factor NDP; minus strand), NDP-AS1 (NDP antisense RNA 1; plus strand). Cytogenetic location: Xp11.3.
Variant type: single nucleotide variant.
Coding change: c.376T>A on transcript NM_000266.4 (MANE Select); coding-DNA position 376, T replaced by A.
Protein change: p.Cys126Ser; replaces cysteine 126 with serine.
Molecular consequence: missense variant. On other transcripts: non-coding transcript variant (1).
Genome position (GRCh38, 1-based): chrX:43,949,825, A>T on the plus strand (T>A on the coding strand, the complement: NDP is on the minus strand). VCF-style: chrX-43949825-A-T. GRCh37 (hg19) VCF-style: chrX-43809071-A-T.
Other names: short protein forms C126S.
Identifiers: ClinVar variation 4891367 (VCV004891367.1).